The following is an entry in ClinVar:

NM_000206.3(IL2RG):c.*307_*308del

Gene: IL2RG (interleukin 2 receptor subunit gamma; minus strand). Cytogenetic location: Xq13.1.
Variant type: Deletion.
Coding change: c.*307_*308del on transcript NM_000206.3 (MANE Select); 307 bases downstream of the stop codon through 308 bases downstream of the stop codon, 2 bases deleted (AA; older notation c.*307_*308delAA).
Molecular consequence: 3 prime UTR variant.
Genome position (GRCh38, 1-based): chrX:71,107,428-71,107,429, TT deleted on the plus strand (AA on the coding strand, the reverse complement: IL2RG is on the minus strand); deleting any 2 consecutive bases within chrX:71,107,428-71,107,430 gives the same sequence; the c. name uses the placement nearest the transcript's 3' end. VCF-style (leftmost placement, unchanged base first): chrX-71107427-CTT-C. GRCh37 (hg19) VCF-style: chrX-70327277-CTT-C.
Identifiers: ClinVar variation 1414802 (VCV001414802.8), dbSNP rs2147745220, ClinGen allele CA2573159578.
Genomic context (GRCh38, chrX:71,107,427, plus strand): 5'-CCCAGGCTTCCCCTGCTCCCCACCCCCATGACAGACATTTTTGATGATTATCAACAGAAA[CTT>C]TATTTCTCATCGGTTCAGGAACAATCGGAGGGTAGATGGAAAGAGGAAGGGAGGGAAAGA-3'

ClinVar aggregate classification (germline): Uncertain significance (1 of 4 stars; one submission).

Conditions:
X-linked severe combined immunodeficiency (SCIDX1). Also called: IMMUNODEFICIENCY 4; SCID, X-LINKED; SEVERE COMBINED IMMUNODEFICIENCY, X-LINKED, T CELL-NEGATIVE, B CELL-POSITIVE, NK CELL-NEGATIVE; T-B+ severe combined immunodeficiency due to gamma chain deficiency; X-Linked Combined Immunodeficiency Diseases. Identifiers: Orphanet 276, MedGen C6022468, MONDO:0010315, OMIM 300400. Disease mechanism: loss of function.

Submission:

Labcorp Genetics (formerly Invitae), Labcorp
Classification: Uncertain significance for X-linked severe combined immunodeficiency. Last evaluated: 2021-03-26. Review status: criteria provided, single submitter. Criteria: Invitae Variant Classification Sherloc (09022015). Collection method: clinical testing. Allele origin: germline.
Comment: In summary, the available evidence is currently insufficient to determine the role of this variant in disease. Therefore, it has been classified as a Variant of Uncertain Significance. Experimental studies and prediction algorithms are not available or were not evaluated, and the functional significance of this variant is currently unknown. This variant has been observed in individual(s) with severe combined immunodeficiency (PMID: 21865537, 31024866). The frequency data for this variant in the population databases is considered unreliable, as metrics indicate insufficient coverage at this position in the ExAC database. This variant occurs in a non-coding region of the IL2RG gene. It does not change the encoded amino acid sequence of the IL2RG protein.

Literature cited by the submitters: PubMed 21865537; PubMed 31024866.